The following is an entry in ClinVar:

ClinVar aggregate classification (germline): Uncertain significance (1 of 4 stars; one submission).

Submission:

GeneDx
Classification: Uncertain significance. Last evaluated: 2024-08-14. Review status: criteria provided, single submitter. Criteria: GeneDx Variant Classification Process June 2021. Collection method: clinical testing. Allele origin: germline. Affected: yes.
Comment: Not observed at significant frequency in large population cohorts (gnomAD); Has not been previously published as pathogenic or benign to our knowledge; In silico analysis is inconclusive as to whether the variant alters gene splicing. In the absence of RNA/functional studies, the actual effect of this sequence change is unknown.

NM_001042492.3(NF1):c.889-10_889-4del

Gene: NF1 (neurofibromin 1; plus strand). Cytogenetic location: 17q11.2.
Variant type: Deletion.
Coding change: c.889-10_889-4del on transcript NM_001042492.3 (MANE Select); 10 bases into the intron before coding-DNA position 889 through 4 bases into the intron before coding-DNA position 889, 7 bases deleted (AATTCTG; older notation c.889-10_889-4delAATTCTG).
Molecular consequence: intron variant.
Genome position (GRCh38, 1-based): chr17:31,200,412-31,200,418, AATTCTG deleted; deleting any 7 consecutive bases within chr17:31,200,410-31,200,418 gives the same sequence; the c. name uses the placement nearest the transcript's 3' end. VCF-style (leftmost placement, unchanged base first): chr17-31200409-TTGAATTC-T. GRCh37 (hg19) VCF-style: chr17-29527427-TTGAATTC-T.
Other names: c.889-10_889-4del (NM_000267.4, NM_001128147.3).
Identifiers: ClinVar variation 3764237 (VCV003764237.1).